The following is an entry in ClinVar:

NM_000553.6(WRN):c.1621A>C (p.Lys541Gln)

Gene: WRN (WRN RecQ like helicase; plus strand). Cytogenetic location: 8p12.
Variant type: single nucleotide variant.
Coding change: c.1621A>C on transcript NM_000553.6 (MANE Select); coding-DNA position 1621, A replaced by C.
Protein change: p.Lys541Gln; replaces lysine 541 with glutamine.
Molecular consequence: missense variant.
Genome position (GRCh38, 1-based): chr8:31,088,934, A>C. VCF-style: chr8-31088934-A-C. GRCh37 (hg19) VCF-style: chr8-30946450-A-C.
Other names: short protein forms K541Q.
Identifiers: ClinVar variation 942306 (VCV000942306.5), dbSNP rs1554522745, ClinGen allele CA370926356.

ClinVar aggregate classification (germline): Uncertain significance (1 of 4 stars; one submission).

Conditions:
Werner syndrome (WRN). Identifiers: Orphanet 902, MedGen C0043119, MONDO:0010196, OMIM 277700.

Submission:

Labcorp Genetics (formerly Invitae), Labcorp
Classification: Uncertain significance for Werner syndrome. Last evaluated: 2025-03-31. Review status: criteria provided, single submitter. Criteria: Invitae Variant Classification Sherloc (09022015). Collection method: clinical testing. Allele origin: germline.
Comment: This sequence change replaces lysine, which is basic and polar, with glutamine, which is neutral and polar, at codon 541 of the WRN protein (p.Lys541Gln). This variant is not present in population databases (gnomAD no frequency). This variant has not been reported in the literature in individuals affected with WRN-related conditions. ClinVar contains an entry for this variant (Variation ID: 942306). An algorithm developed to predict the effect of missense changes on protein structure and function (PolyPhen-2) suggests that this variant is likely to be disruptive. In summary, the available evidence is currently insufficient to determine the role of this variant in disease. Therefore, it has been classified as a Variant of Uncertain Significance.